The following is an entry in ClinVar:

NM_001035.3(RYR2):c.4499G>T (p.Arg1500Leu)

Gene: RYR2 (ryanodine receptor 2; plus strand). Cytogenetic location: 1q43.
Variant type: single nucleotide variant.
Coding change: c.4499G>T on transcript NM_001035.3 (MANE Select); coding-DNA position 4499, G replaced by T.
Protein change: p.Arg1500Leu; replaces arginine 1500 with leucine.
Molecular consequence: missense variant.
Genome position (GRCh38, 1-based): chr1:237,595,560, G>T. VCF-style: chr1-237595560-G-T. GRCh37 (hg19) VCF-style: chr1-237758860-G-T.
Other names: short protein forms R1500L.
Identifiers: ClinVar variation 2429630 (VCV002429630.3), dbSNP rs749719028, ClinGen allele CA345400377.

ClinVar aggregate classification (germline): Uncertain significance. Review status: criteria provided, multiple submitters, no conflicts (2 of 4 stars). 2 submissions from 2 submitters: Uncertain significance (2). Last evaluated 2023-11-07.

Conditions:
Cardiomyopathy (CMYO). Also called: Cardiomyopathies. Identifiers: Orphanet 167848, MedGen C0878544, MONDO:0004994, HP:0001638. Inheritance: Various modes of inheritance.

Submissions (2):

Color Diagnostics, LLC DBA Color Health
Classification: Uncertain significance for Cardiomyopathy. Last evaluated: 2023-11-07. Review status: criteria provided, single submitter. Criteria: ACMG Guidelines, 2015. Collection method: clinical testing. Allele origin: germline.
Comment: This missense variant replaces arginine with leucine at codon 1500 of the RYR2 protein. Computational prediction suggests that this variant may have deleterious impact on protein structure and function (internally defined REVEL score threshold >= 0.7, PMID: 27666373). To our knowledge, functional studies have not been reported for this variant. This variant has not been reported in individuals affected with RYR2-related disorders in the literature. This variant has not been identified in the general population by the Genome Aggregation Database (gnomAD). The available evidence is insufficient to determine the role of this variant in disease conclusively. Therefore, this variant is classified as a Variant of Uncertain Significance.

GeneDx
Classification: Uncertain significance. Last evaluated: 2022-08-10. Review status: criteria provided, single submitter. Criteria: GeneDx Variant Classification Process June 2021. Collection method: clinical testing. Allele origin: germline. Affected: yes.
Comment: Not observed at significant frequency in large population cohorts (gnomAD); In silico analysis supports that this missense variant has a deleterious effect on protein structure/function; Has not been previously published as pathogenic or benign to our knowledge